The following is an entry in ClinVar:

NM_002907.4(RECQL):c.1888A>T (p.Met630Leu)

Genes: PYROXD1 (pyridine nucleotide-disulphide oxidoreductase domain 1; plus strand), RECQL (RecQ like helicase; minus strand). Cytogenetic location: 12p12.1.
Variant type: single nucleotide variant.
Coding change: c.1888A>T on transcript NM_002907.4 (MANE Select); coding-DNA position 1888, A replaced by T.
Protein change: p.Met630Leu; replaces methionine 630 with leucine.
Molecular consequence: missense variant. On other transcripts: 3 prime UTR variant (3).
Genome position (GRCh38, 1-based): chr12:21,470,256, T>A on the plus strand (A>T on the coding strand, the complement: RECQL is on the minus strand). VCF-style: chr12-21470256-T-A. GRCh37 (hg19) VCF-style: chr12-21623190-T-A.
Other names: c.1888A>T, p.Met630Leu (NM_032941.3); c.*1502T>A (NM_001350912.2, NM_001350913.2, NM_024854.5); short protein forms M630L.
Identifiers: ClinVar variation 4826751 (VCV004826751.1).

ClinVar aggregate classification (germline): Uncertain significance (1 of 4 stars; one submission).

Submission:

Ambry Genetics
Classification: Uncertain significance. Last evaluated: 2026-03-12. Review status: criteria provided, single submitter. Criteria: Ambry Variant Classification Scheme 2023. Collection method: clinical testing. Allele origin: germline.
Comment: The p.M630L variant (also known as c.1888A>T), located in coding exon 14 of the RECQL gene, results from an A to T substitution at nucleotide position 1888. The methionine at codon 630 is replaced by leucine, an amino acid with highly similar properties. This amino acid position is conserved. In addition, this alteration is predicted to be tolerated by in silico analysis. Based on the available evidence, the clinical significance of this variant remains unclear.